The following is an entry in ClinVar:

NM_001384910.1(GUCA1A):c.212T>C (p.Ile71Thr)

Genes: GUCA1A (guanylate cyclase activator 1A; plus strand), GUCA1ANB-GUCA1A (GUCA1ANB-GUCA1A readthrough; plus strand). Cytogenetic location: 6p21.1.
Variant type: single nucleotide variant.
Coding change: c.212T>C on transcript NM_001384910.1 (MANE Select); coding-DNA position 212, T replaced by C.
Protein change: p.Ile71Thr; replaces isoleucine 71 with threonine.
Molecular consequence: missense variant.
Genome position (GRCh38, 1-based): chr6:42,178,290, T>C. VCF-style: chr6-42178290-T-C. GRCh37 (hg19) VCF-style: chr6-42146028-T-C.
Other names: c.212T>C, p.Ile71Thr (NM_000409.5, NM_001319061.2, NM_001319062.2); short protein forms I71T.
Identifiers: ClinVar variation 867036 (VCV000867036.34), dbSNP rs370735024, ClinGen allele CA3805321.
Genomic context (GRCh38, chr6:42,178,290, plus strand): 5'-GGAGTGAGCGGGGCCCGGATGGGCTCACGGCGGCCGCGCCCCTCGCCCAGGACGGCTACA[T>C]TGATTTCATGGAGTACGTGGCAGCGCTCAGCTTGGTCCTCAAGGGGAAGGTGGAACAGAA-3'
Protein context (NP_001371839.1, residues 61-81): ETFDFNKDGY[Ile71Thr]DFMEYVAALS

ClinVar aggregate classification (germline): Uncertain significance. Review status: criteria provided, multiple submitters, no conflicts (2 of 4 stars). 3 submissions from 3 submitters: Uncertain significance (3). Last evaluated 2025-04-28.

Allele frequency attached by ClinVar (database versions not stated): gnomAD exomes 0.00001 and 0.00002; ExAC 0.00002; gnomAD 0.00007; TOPMed 0.00014; ESP Exome Variant Server 0.00015.

Submissions (3):

Labcorp Genetics (formerly Invitae), Labcorp
Classification: Uncertain significance. Last evaluated: 2025-04-28. Review status: criteria provided, single submitter. Criteria: Invitae Variant Classification Sherloc (09022015). Collection method: clinical testing. Allele origin: germline.
Comment: This sequence change replaces isoleucine, which is neutral and non-polar, with threonine, which is neutral and polar, at codon 71 of the GUCA1A protein (p.Ile71Thr). This variant is present in population databases (rs370735024, gnomAD 0.007%). This missense change has been observed in individual(s) with cone-rod dystrophy (internal data). ClinVar contains an entry for this variant (Variation ID: 867036). An algorithm developed to predict the effect of missense changes on protein structure and function (PolyPhen-2) suggests that this variant is likely to be disruptive. In summary, the available evidence is currently insufficient to determine the role of this variant in disease. Therefore, it has been classified as a Variant of Uncertain Significance.

CeGaT Center for Human Genetics Tuebingen
Classification: Uncertain significance. Last evaluated: 2022-10-01. Review status: criteria provided, single submitter. Criteria: CeGaT Center For Human Genetics Tuebingen Variant Classification Criteria Version 2. Collection method: clinical testing. Allele origin: germline. Affected: yes. Observed: 1 variant allele.
Comment: GUCA1A: PP3

Blueprint Genetics
Classification: Uncertain significance. Last evaluated: 2019-10-28. Review status: criteria provided, single submitter. Criteria: ACMG Guidelines, 2015. Collection method: clinical testing. Allele origin: germline.